The following is an entry in ClinVar:

NM_032217.5(ANKRD17):c.4437G>A (p.Ala1479=)

Gene: ANKRD17 (ankyrin repeat domain 17; minus strand). Cytogenetic location: 4q13.3.
Variant type: single nucleotide variant.
Coding change: c.4437G>A on transcript NM_032217.5 (MANE Select); coding-DNA position 4437, G replaced by A.
Protein change: p.Ala1479=; no amino-acid change (alanine 1479 retained).
Molecular consequence: synonymous variant.
Genome position (GRCh38, 1-based): chr4:73,102,512, C>T on the plus strand (G>A on the coding strand, the complement: ANKRD17 is on the minus strand). VCF-style: chr4-73102512-C-T. GRCh37 (hg19) VCF-style: chr4-73968229-C-T.
Other names: c.4098G>A, p.Ala1366= (NM_001286771.3); c.4434G>A, p.Ala1478= (NM_015574.2); c.3684G>A, p.Ala1228= (NM_198889.3).
Identifiers: ClinVar variation 2654818 (VCV002654818.24), dbSNP rs372433463, ClinGen allele CA2958325.

ClinVar aggregate classification (germline): Likely benign (1 of 4 stars; one submission).

Allele frequency attached by ClinVar (database versions not stated): ESP Exome Variant Server 0.00015; ExAC 0.00019; TOPMed 0.00021; gnomAD 0.00026.
gnomAD v4.1: 268 of 1,601,216 alleles (0.017%); highest among the groups gnomAD compares: African/African-American, 0.024%; no homozygotes.

Submission:

CeGaT Center for Human Genetics Tuebingen
Classification: Likely benign. Last evaluated: 2026-07-01. Review status: criteria provided, single submitter. Criteria: CeGaT Center For Human Genetics Tuebingen Variant Classification Criteria Version 2. Collection method: clinical testing. Allele origin: germline. Affected: yes. Observed: 2 variant alleles.
Comment: ANKRD17: BP4, BP7